The following is an entry in ClinVar:

ClinVar aggregate classification (germline): Likely pathogenic (1 of 4 stars; one submission).

Conditions:
Alpha thalassemia-X-linked intellectual disability syndrome (ATRX). Also called: ALPHA-THALASSEMIA/MENTAL RETARDATION SYNDROME, X-LINKED; ATR, NONDELETION TYPE; ATR-X syndrome; Alpha thalassemia mental retardation syndrome, nondeletion type, X-linked; XLMR hypotonic face syndrome; X-linked alpha-thalassemia-mental retardation syndrome. Identifiers: Orphanet 847, MedGen C1845055, MONDO:0010519, OMIM 301040.
Intellectual disability-hypotonic facies syndrome, X-linked, 1 (MRXHF1). Also called: XLMR-HYPOTONIC FACIES SYNDROME; Smith Fineman Myers syndrome 1; X-linked intellectual disability-hypotonic face syndrome; CHUDLEY-LOWRY SYNDROME; Chudley syndrome 1; Chudley-Lowry-Hoar syndrome. Identifiers: Orphanet 73220, Orphanet 93970, Orphanet 93971, Orphanet 93972, Orphanet 93973, Orphanet 93974, Orphanet 93975, MedGen C4759781, MONDO:0010663, OMIM 309580.

Submission:

Institute of Human Genetics, Heidelberg University
Classification: Likely pathogenic for Intellectual disability-hypotonic facies syndrome, X-linked, 1; Alpha thalassemia-X-linked intellectual disability syndrome. Last evaluated: 2025-09-12. Review status: criteria provided, single submitter. Criteria: ACMG Guidelines, 2015. Collection method: clinical testing. Allele origin: de novo. Affected: yes. Observed: 1 variant allele.
Comment: PS2_mod, PM2_supp, PP2, PP3_mod

NM_000489.6(ATRX):c.5651C>T (p.Thr1884Ile)

Gene: ATRX (ATRX chromatin remodeler; minus strand). Cytogenetic location: Xq21.1.
Variant type: single nucleotide variant.
Coding change: c.5651C>T on transcript NM_000489.6 (MANE Select); coding-DNA position 5651, C replaced by T.
Protein change: p.Thr1884Ile; replaces threonine 1884 with isoleucine.
Molecular consequence: missense variant.
Genome position (GRCh38, 1-based): chrX:77,600,480, G>A on the plus strand (C>T on the coding strand, the complement: ATRX is on the minus strand). VCF-style: chrX-77600480-G-A. GRCh37 (hg19) VCF-style: chrX-76855949-G-A.
Other names: c.5537C>T, p.Thr1846Ile (NM_138270.5); short protein forms T1846I, T1884I.
Identifiers: ClinVar variation 4294308 (VCV004294308.1).